The following is an entry in ClinVar:

NM_002528.7(NTHL1):c.538T>C (p.Tyr180His)

Gene: NTHL1 (nth like DNA glycosylase 1; minus strand). Cytogenetic location: 16p13.3.
Variant type: single nucleotide variant.
Coding change: c.538T>C on transcript NM_002528.7 (MANE Select); coding-DNA position 538, T replaced by C.
Protein change: p.Tyr180His; replaces tyrosine 180 with histidine.
Molecular consequence: missense variant.
Genome position (GRCh38, 1-based): chr16:2,043,714, A>G on the plus strand (T>C on the coding strand, the complement: NTHL1 is on the minus strand). VCF-style: chr16-2043714-A-G. GRCh37 (hg19) VCF-style: chr16-2093715-A-G.
Other names: c.367T>C, p.Tyr123His (NM_001318193.2); c.208T>C, p.Tyr70His (NM_001318194.2); c.562T>C (NM_002528.5); short protein forms Y123H, Y70H, Y180H.
Identifiers: ClinVar variation 968739 (VCV000968739.9), dbSNP rs2084301249, ClinGen allele CA394292511.
Genomic context (GRCh38, chr16:2,043,714, plus strand): 5'-CAGAGGCTGGGATGTCCCCACCGTAGTGCTGCTGCAGGATGGCGCTGGTCTGCTTGATGT[A>G]TTTCACCTTGCTCTGAAAGACAGGGGTGGGTTCAGCCTTGGAGGCAAGGGCACAGCCCAA-3'
Protein context (NP_002519.2, residues 170-190): PVGFWRSKVK[Tyr180His]IKQTSAILQQ

ClinVar aggregate classification (germline): Uncertain significance. Review status: criteria provided, multiple submitters, no conflicts (2 of 4 stars). 2 submissions from 2 submitters: Uncertain significance (2). Last evaluated 2025-04-07.

Conditions:
Hereditary cancer-predisposing syndrome. Also called: Neoplastic Syndromes, Hereditary; Hereditary Cancer Syndrome; Tumor predisposition; Hereditary neoplastic syndrome. Identifiers: Orphanet 140162, MedGen C0027672, MeSH D009386, MONDO:0015356.

Submissions (2):

Labcorp Genetics (formerly Invitae), Labcorp
Classification: Uncertain significance. Last evaluated: 2025-04-07. Review status: criteria provided, single submitter. Criteria: Invitae Variant Classification Sherloc (09022015). Collection method: clinical testing. Allele origin: germline.
Comment: This sequence change replaces tyrosine, which is neutral and polar, with histidine, which is basic and polar, at codon 188 of the NTHL1 protein (p.Tyr188His). This variant is not present in population databases (gnomAD no frequency). This variant has not been reported in the literature in individuals affected with NTHL1-related conditions. ClinVar contains an entry for this variant (Variation ID: 968739). An algorithm developed to predict the effect of missense changes on protein structure and function (PolyPhen-2) suggests that this variant is likely to be tolerated. In summary, the available evidence is currently insufficient to determine the role of this variant in disease. Therefore, it has been classified as a Variant of Uncertain Significance.

Ambry Genetics
Classification: Uncertain significance for Hereditary cancer-predisposing syndrome. Last evaluated: 2024-02-29. Review status: criteria provided, single submitter. Criteria: Ambry Variant Classification Scheme 2023. Collection method: clinical testing. Allele origin: germline.
Comment: The p.Y188H variant (also known as c.562T>C), located in coding exon 4 of the NTHL1 gene, results from a T to C substitution at nucleotide position 562. The tyrosine at codon 188 is replaced by histidine, an amino acid with similar properties. This amino acid position is conserved. In addition, the in silico prediction for this alteration is inconclusive. Based on the available evidence, the clinical significance of this alteration remains unclear.